The following is an entry in ClinVar:

ClinVar aggregate classification (germline): Uncertain significance. Review status: criteria provided, multiple submitters, no conflicts (2 of 4 stars). 2 submissions from 2 submitters: Uncertain significance (2). Last evaluated 2024-04-25.

Conditions:
Progressive sclerosing poliodystrophy (MTDPS4A). Also called: Alpers-Huttenlocher Syndrome (AHS); Alpers Syndrome; ALPERS PROGRESSIVE INFANTILE POLIODYSTROPHY; Mitochondrial DNA depletion syndrome 4A (Alpers type); ALPERS DIFFUSE DEGENERATION OF CEREBRAL GRAY MATTER WITH HEPATIC CIRRHOSIS; Alpers-Huttenlocher Syndrome. Identifiers: Orphanet 726, MedGen C0205710, MONDO:0008758, OMIM 203700.

Allele frequency attached by ClinVar (database versions not stated): TOPMed below 0.00001.

Submissions (2):

Labcorp Genetics (formerly Invitae), Labcorp
Classification: Uncertain significance for Progressive sclerosing poliodystrophy. Last evaluated: 2024-04-25. Review status: criteria provided, single submitter. Criteria: Invitae Variant Classification Sherloc (09022015). Collection method: clinical testing. Allele origin: germline.
Comment: This sequence change replaces methionine, which is neutral and non-polar, with arginine, which is basic and polar, at codon 1195 of the POLG protein (p.Met1195Arg). This variant is not present in population databases (gnomAD no frequency). This variant has not been reported in the literature in individuals affected with POLG-related conditions. ClinVar contains an entry for this variant (Variation ID: 619341). Advanced modeling of protein sequence and biophysical properties (such as structural, functional, and spatial information, amino acid conservation, physicochemical variation, residue mobility, and thermodynamic stability) performed at Invitae indicates that this missense variant is expected to disrupt POLG protein function with a positive predictive value of 95%. In summary, the available evidence is currently insufficient to determine the role of this variant in disease. Therefore, it has been classified as a Variant of Uncertain Significance.

Wong Mito Lab, Molecular and Human Genetics, Baylor College of Medicine
Classification: Uncertain significance for Progressive sclerosing poliodystrophy. Last evaluated: 2018-10-01. Review status: criteria provided, single submitter. Criteria: ACMG Guidelines, 2015. Collection method: clinical testing. Allele origin: germline.
Comment: The NM_002693.2:c.3584T>G (NP_002684.1:p.Met1195Arg) [GRCH38: NC_000015.10:g.89317435A>C] variant in POLG gene is interpretated to be a Uncertain Significance based on ACMG guidelines (PMID: 25741868). This variant meets the following evidence codes reported in the ACMG-guideline. PM2:This variant is absent in key population databases. PP2:This is a missense variant in POLG with a low rate of benign and high rate of pathogenic missense variations. PP3:Computational evidence/predictors indicate the variant has deleterious effect on POLG structure, function, or protein-protein interaction. Based on the evidence criteria codes applied, the variant is suggested to be Uncertain Significance.

NM_002693.3(POLG):c.3584T>G (p.Met1195Arg)

Gene: POLG (DNA polymerase gamma, catalytic subunit; minus strand). Cytogenetic location: 15q26.1.
Variant type: single nucleotide variant.
Coding change: c.3584T>G on transcript NM_002693.3 (MANE Select); coding-DNA position 3584, T replaced by G.
Protein change: p.Met1195Arg; replaces methionine 1195 with arginine.
Molecular consequence: missense variant.
Genome position (GRCh38, 1-based): chr15:89,317,435, A>C on the plus strand (T>G on the coding strand, the complement: POLG is on the minus strand). VCF-style: chr15-89317435-A-C. GRCh37 (hg19) VCF-style: chr15-89860666-A-C.
Other names: c.3584T>G, p.Met1195Arg (NM_001126131.2); short protein forms M1195R.
Identifiers: ClinVar variation 619341 (VCV000619341.11), dbSNP rs758720361, ClinGen allele CA10602283.
Genomic context (GRCh38, chr15:89,317,435, plus strand): 5'-CCCTGGGGAATCCCGTATCTCCTTTCCATCCCAGTTGGGTTGGAAGGGGTTTTACAATCC[A>C]TGGTCACTTCCTTCCTGAGGCACCGGTCAATATCGACTGCACTGAAAAAGGCGACTGACT-3'
Protein context (NP_002684.1, residues 1185-1205): IDRCLRKEVT[Met1195Arg]DCKTPSNPTG